The following is an entry in ClinVar:

NM_001080517.3(SETD5):c.2492T>G (p.Leu831Ter)

Gene: SETD5 (SET domain containing 5; plus strand). Cytogenetic location: 3p25.3.
Variant type: single nucleotide variant.
Coding change: c.2492T>G on transcript NM_001080517.3 (MANE Select); coding-DNA position 2492, T replaced by G.
Protein change: p.Leu831Ter; replaces leucine 831 with a stop codon.
Molecular consequence: nonsense.
Genome position (GRCh38, 1-based): chr3:9,464,440, T>G. VCF-style: chr3-9464440-T-G. GRCh37 (hg19) VCF-style: chr3-9506124-T-G.
Other names: c.2198T>G, p.Leu733Ter (NM_001292043.2, NM_001349451.2); short protein forms L733*, L831*.
Identifiers: ClinVar variation 4055822 (VCV004055822.1).

ClinVar aggregate classification (germline): Pathogenic (1 of 4 stars; one submission).

Submission:

GeneDx
Classification: Pathogenic. Last evaluated: 2025-01-02. Review status: criteria provided, single submitter. Criteria: GeneDx Variant Classification Process June 2021. Collection method: clinical testing. Allele origin: germline. Affected: yes.
Comment: Nonsense variant predicted to result in protein truncation or nonsense mediated decay in a gene for which loss of function is a known mechanism of disease; Not observed at significant frequency in large population cohorts (gnomAD); Has not been previously published as pathogenic or benign to our knowledge